The following is an entry in ClinVar:

ClinVar aggregate classification (germline): Uncertain significance (1 of 4 stars; one submission).

Conditions:
Epilepsy, familial adult myoclonic, 5 (EPEO5). Also called: CORTICAL MYOCLONIC TREMOR WITH EPILEPSY, FAMILIAL, 5. Identifiers: Orphanet 86814, MedGen C3809374, MONDO:0014167, OMIM 615400.

Submission:

Labcorp Genetics (formerly Invitae), Labcorp
Classification: Uncertain significance for Epilepsy, familial adult myoclonic, 5. Last evaluated: 2022-06-28. Review status: criteria provided, single submitter. Criteria: Invitae Variant Classification Sherloc (09022015). Collection method: clinical testing. Allele origin: germline.
Comment: This sequence change replaces alanine, which is neutral and non-polar, with proline, which is neutral and non-polar, at codon 113 of the CNTN2 protein (p.Ala113Pro). This variant is not present in population databases (gnomAD no frequency). This variant has not been reported in the literature in individuals affected with CNTN2-related conditions. Advanced modeling of protein sequence and biophysical properties (such as structural, functional, and spatial information, amino acid conservation, physicochemical variation, residue mobility, and thermodynamic stability) performed at Invitae indicates that this missense variant is not expected to disrupt CNTN2 protein function. In summary, the available evidence is currently insufficient to determine the role of this variant in disease. Therefore, it has been classified as a Variant of Uncertain Significance.

NM_005076.5(CNTN2):c.337G>C (p.Ala113Pro)

Gene: CNTN2 (contactin 2; plus strand). Cytogenetic location: 1q32.1.
Variant type: single nucleotide variant.
Coding change: c.337G>C on transcript NM_005076.5 (MANE Select); coding-DNA position 337, G replaced by C.
Protein change: p.Ala113Pro; replaces alanine 113 with proline.
Molecular consequence: missense variant. On other transcripts: non-coding transcript variant (1).
Genome position (GRCh38, 1-based): chr1:205,058,302, G>C. VCF-style: chr1-205058302-G-C. GRCh37 (hg19) VCF-style: chr1-205027430-G-C.
Other names: c.337G>C, p.Ala113Pro (NM_001346083.2); short protein forms A113P.
Identifiers: ClinVar variation 1382995 (VCV001382995.6), dbSNP rs1032446046, ClinGen allele CA344405157.